The following is an entry in ClinVar:

NM_006914.4(RORB):c.1337A>G (p.Tyr446Cys)

Genes: RORB (RAR related orphan receptor B; plus strand), LOC124310566 (Sharpr-MPRA regulatory region 9792; plus strand). Cytogenetic location: 9q21.13.
Variant type: single nucleotide variant.
Coding change: c.1337A>G on transcript NM_006914.4 (MANE Select); coding-DNA position 1337, A replaced by G.
Protein change: p.Tyr446Cys; replaces tyrosine 446 with cysteine.
Molecular consequence: missense variant.
Genome position (GRCh38, 1-based): chr9:74,685,575, A>G. VCF-style: chr9-74685575-A-G. GRCh37 (hg19) VCF-style: chr9-77300491-A-G.
Other names: c.1370A>G, p.Tyr457Cys (NM_001365023.1); short protein forms Y446C, Y457C.
Identifiers: ClinVar variation 4082893 (VCV004082893.1).

ClinVar aggregate classification (germline): Uncertain significance (1 of 4 stars; one submission).

Submission:

GeneDx
Classification: Uncertain significance. Last evaluated: 2025-03-13. Review status: criteria provided, single submitter. Criteria: GeneDx Variant Classification Process June 2021. Collection method: clinical testing. Allele origin: germline. Affected: yes.
Comment: Not observed at significant frequency in large population cohorts (gnomAD); In silico analysis supports that this missense variant has a deleterious effect on protein structure/function; Has not been previously published as pathogenic or benign to our knowledge